The following is an entry in ClinVar:

NM_000372.5(TYR):c.1037-21dup

Gene: TYR (tyrosinase; plus strand). Cytogenetic location: 11q14.3.
Variant type: Duplication.
Coding change: c.1037-21dup on transcript NM_000372.5 (MANE Select); 21 bases into the intron before coding-DNA position 1037, one base duplicated (T; older notation c.1037-21dupT).
Molecular consequence: intron variant.
Genome position (GRCh38, 1-based): chr11:89,227,802, T duplicated; the last of 7 consecutive T bases (chr11:89,227,796-89,227,802); duplicating any one gives the same sequence. VCF-style (leftmost placement, unchanged base first): chr11-89227795-A-AT. GRCh37 (hg19) VCF-style: chr11-88960963-A-AT.
Identifiers: ClinVar variation 3037622 (VCV003037622.2), dbSNP rs3834913, ClinGen allele CA6221321.

ClinVar aggregate classification (germline): Benign (0 of 4 stars; one submission).

Conditions:
TYR-related disorder. Also called: TYR-related condition.

Submission:

PreventionGenetics, part of Exact Sciences
Classification: Benign for TYR-related condition. Last evaluated: 2023-12-26. Review status: no assertion criteria provided. Collection method: clinical testing. Allele origin: germline.
Comment: This variant is classified as benign based on ACMG/AMP sequence variant interpretation guidelines (Richards et al. 2015 PMID: 25741868, with internal and published modifications).